The following is an entry in ClinVar:

NM_003072.5(SMARCA4):c.1858A>T (p.Ile620Phe)

Gene: SMARCA4 (SWI/SNF related BAF chromatin remodeling complex subunit ATPase 4; plus strand). Cytogenetic location: 19p13.2.
Variant type: single nucleotide variant.
Coding change: c.1858A>T on transcript NM_003072.5 (MANE Select); coding-DNA position 1858, A replaced by T.
Protein change: p.Ile620Phe; replaces isoleucine 620 with phenylalanine.
Molecular consequence: missense variant. On other transcripts: non-coding transcript variant (1).
Genome position (GRCh38, 1-based): chr19:11,003,074, A>T. VCF-style: chr19-11003074-A-T. GRCh37 (hg19) VCF-style: chr19-11113750-A-T.
Other names: c.1858A>T, p.Ile620Phe (NM_001128845.2, NM_001128846.2, NM_001128847.4 and 4 more transcripts); short protein forms I620F.
Identifiers: ClinVar variation 820201 (VCV000820201.4), dbSNP rs1600132784, ClinGen allele CA404051487.

ClinVar aggregate classification (germline): Uncertain significance (1 of 4 stars; one submission).

Conditions:
Hereditary cancer-predisposing syndrome. Also called: Neoplastic Syndromes, Hereditary; Tumor predisposition; Hereditary Cancer Syndrome; Hereditary neoplastic syndrome. Identifiers: Orphanet 140162, MedGen C0027672, MeSH D009386, MONDO:0015356.

Submission:

Ambry Genetics
Classification: Uncertain significance for Hereditary cancer-predisposing syndrome. Last evaluated: 2019-12-20. Review status: criteria provided, single submitter. Criteria: Ambry Variant Classification Scheme 2023. Collection method: clinical testing. Allele origin: germline.
Comment: The p.I620F variant (also known as c.1858A>T), located in coding exon 11 of the SMARCA4 gene, results from an A to T substitution at nucleotide position 1858. The isoleucine at codon 620 is replaced by phenylalanine, an amino acid with highly similar properties. This amino acid position is well conserved in available vertebrate species. In addition, the in silico prediction for this alteration is inconclusive. Since supporting evidence is limited at this time, the clinical significance of this alteration remains unclear.